The following is an entry in ClinVar:

ClinVar aggregate classification (germline): Uncertain significance (1 of 4 stars; one submission).

Submission:

Labcorp Genetics (formerly Invitae), Labcorp
Classification: Uncertain significance. Last evaluated: 2020-11-23. Review status: criteria provided, single submitter. Criteria: Invitae Variant Classification Sherloc (09022015). Collection method: clinical testing. Allele origin: germline.
Comment: This sequence change replaces methionine with arginine at codon 977 of the COL4A3 protein (p.Met977Arg). The methionine residue is weakly conserved and there is a moderate physicochemical difference between methionine and arginine. This variant is not present in population databases (ExAC no frequency). This variant has not been reported in the literature in individuals with COL4A3-related conditions. Advanced modeling of protein sequence and biophysical properties (such as structural, functional, and spatial information, amino acid conservation, physicochemical variation, residue mobility, and thermodynamic stability) performed at Invitae indicates that this missense variant is not expected to disrupt COL4A3 protein function. In summary, the available evidence is currently insufficient to determine the role of this variant in disease. Therefore, it has been classified as a Variant of Uncertain Significance.

NM_000091.5(COL4A3):c.2930T>G (p.Met977Arg)

Genes: COL4A3 (collagen type IV alpha 3 chain; plus strand), MFF-DT (MFF divergent transcript; minus strand). Cytogenetic location: 2q36.3.
Variant type: single nucleotide variant.
Coding change: c.2930T>G on transcript NM_000091.5 (MANE Select); coding-DNA position 2930, T replaced by G.
Protein change: p.Met977Arg; replaces methionine 977 with arginine.
Molecular consequence: missense variant.
Genome position (GRCh38, 1-based): chr2:227,289,198, T>G. VCF-style: chr2-227289198-T-G. GRCh37 (hg19) VCF-style: chr2-228153914-T-G.
Other names: short protein forms M977R.
Identifiers: ClinVar variation 1910666 (VCV001910666.2), dbSNP rs2469815944, ClinGen allele CA350854233.